The following is an entry in ClinVar:

ClinVar aggregate classification (germline): Uncertain significance (1 of 4 stars; one submission).

Conditions:
Hereditary cancer-predisposing syndrome. Also called: Neoplastic Syndromes, Hereditary; Tumor predisposition; Hereditary neoplastic syndrome; Hereditary Cancer Syndrome. Identifiers: Orphanet 140162, MedGen C0027672, MeSH D009386, MONDO:0015356.

Submission:

Ambry Genetics
Classification: Uncertain significance for Hereditary cancer-predisposing syndrome. Last evaluated: 2019-08-30. Review status: criteria provided, single submitter. Criteria: Ambry Variant Classification Scheme 2023. Collection method: clinical testing. Allele origin: germline.
Comment: The p.G20R variant (also known as c.58G>A), located in coding exon 1 of the TSC2 gene, results from a G to A substitution at nucleotide position 58. The glycine at codon 20 is replaced by arginine, an amino acid with dissimilar properties. This amino acid position is highly conserved in available vertebrate species. In addition, the in silico prediction for this alteration is inconclusive. Since supporting evidence is limited at this time, the clinical significance of this alteration remains unclear.

NM_000548.5(TSC2):c.58G>A (p.Gly20Arg)

Gene: TSC2 (TSC complex subunit 2; plus strand). Cytogenetic location: 16p13.3.
Variant type: single nucleotide variant.
Coding change: c.58G>A on transcript NM_000548.5 (MANE Select); coding-DNA position 58, G replaced by A.
Protein change: p.Gly20Arg; replaces glycine 20 with arginine.
Molecular consequence: missense variant. On other transcripts: 5 prime UTR variant (1), intron variant (1).
Genome position (GRCh38, 1-based): chr16:2,048,673, G>A. VCF-style: chr16-2048673-G-A. GRCh37 (hg19) VCF-style: chr16-2098674-G-A.
Other names: c.58G>A, p.Gly20Arg (NM_001077183.3, NM_001114382.3, NM_001318827.2 and 4 more transcripts); c.-169G>A (NM_001318831.2); c.91G>A, p.Gly31Arg (NM_001318832.2); c.-10+608G>A (NM_001318829.2); short protein forms G31R, G20R.
Identifiers: ClinVar variation 826046 (VCV000826046.4), dbSNP rs1596234105, ClinGen allele CA394301128.